The following is an entry in ClinVar:

NM_016277.5(RAB23):c.283G>T (p.Glu95Ter)

Gene: RAB23 (RAB23, member RAS oncogene family; minus strand). Cytogenetic location: 6p12.1.
Variant type: single nucleotide variant.
Coding change: c.283G>T on transcript NM_016277.5 (MANE Select); coding-DNA position 283, G replaced by T.
Protein change: p.Glu95Ter; replaces glutamic acid 95 with a stop codon.
Molecular consequence: nonsense.
Genome position (GRCh38, 1-based): chr6:57,196,565, C>A on the plus strand (G>T on the coding strand, the complement: RAB23 is on the minus strand). VCF-style: chr6-57196565-C-A. GRCh37 (hg19) VCF-style: chr6-57061363-C-A.
Other names: c.283G>T, p.Glu95Ter (NM_001278666.2, NM_001278667.2, NM_001278668.2 and 1 more transcripts); short protein forms E95*.
Identifiers: ClinVar variation 4998165 (VCV004998165.1).

ClinVar aggregate classification (germline): Likely pathogenic (1 of 4 stars; one submission).

Conditions:
RAB23-related disorder. Also called: RAB23-related condition.

Submission:

PreventionGenetics, part of Exact Sciences
Classification: Likely pathogenic for RAB23-related condition. Last evaluated: 2024-10-25. Review status: criteria provided, single submitter. Criteria: ACMG Guidelines, 2015. Collection method: clinical testing. Allele origin: germline.
Comment: The RAB23 c.283G>T variant is predicted to result in premature protein termination (p.Glu95*). To our knowledge, this variant has not been reported in the literature or in a large population database (gnomAD), indicating this variant is rare. Nonsense variants in RAB23 are expected to be pathogenic. This variant is interpreted as likely pathogenic.